The following is an entry in ClinVar:

ClinVar aggregate classification (germline): Uncertain significance (1 of 4 stars; one submission).

Conditions:
Retinoblastoma (RB1). Also called: RETINOBLASTOMA, SOMATIC. Identifiers: Orphanet 790, MedGen C0035335, MeSH D012175, MONDO:0008380, OMIM 180200, HP:0009919. Disease mechanism: loss of function. Inheritance: Both sporadic and heritable forms are tested..

Submission:

Labcorp Genetics (formerly Invitae), Labcorp
Classification: Uncertain significance for Retinoblastoma. Last evaluated: 2025-05-29. Review status: criteria provided, single submitter. Criteria: Invitae Variant Classification Sherloc (09022015). Collection method: clinical testing. Allele origin: germline.
Comment: This sequence change replaces leucine, which is neutral and non-polar, with phenylalanine, which is neutral and non-polar, at codon 569 of the RB1 protein (p.Leu569Phe). This variant is not present in population databases (gnomAD no frequency). This variant has not been reported in the literature in individuals affected with RB1-related conditions. Invitae Evidence Modeling of protein sequence and biophysical properties (such as structural, functional, and spatial information, amino acid conservation, physicochemical variation, residue mobility, and thermodynamic stability) indicates that this missense variant is not expected to disrupt RB1 protein function with a negative predictive value of 80%. In summary, the available evidence is currently insufficient to determine the role of this variant in disease. Therefore, it has been classified as a Variant of Uncertain Significance.

NM_000321.3(RB1):c.1707A>C (p.Leu569Phe)

Gene: RB1 (RB transcriptional corepressor 1; plus strand). Cytogenetic location: 13q14.2.
Variant type: single nucleotide variant.
Coding change: c.1707A>C on transcript NM_000321.3 (MANE Select); coding-DNA position 1707, A replaced by C.
Protein change: p.Leu569Phe; replaces leucine 569 with phenylalanine.
Molecular consequence: missense variant.
Genome position (GRCh38, 1-based): chr13:48,453,004, A>C. VCF-style: chr13-48453004-A-C. GRCh37 (hg19) VCF-style: chr13-49027140-A-C.
Other names: c.1707A>C, p.Leu569Phe (NM_001407165.1); short protein forms L569F.
Identifiers: ClinVar variation 4753480 (VCV004753480.1).